The following is an entry in ClinVar:

NM_001134363.3(RBM20):c.1829T>A (p.Ile610Asn)

Gene: RBM20 (RNA binding motif protein 20; plus strand). Cytogenetic location: 10q25.2.
Variant type: single nucleotide variant.
Coding change: c.1829T>A on transcript NM_001134363.3 (MANE Select); coding-DNA position 1829, T replaced by A.
Protein change: p.Ile610Asn; replaces isoleucine 610 with asparagine.
Molecular consequence: missense variant.
Genome position (GRCh38, 1-based): chr10:110,810,411, T>A. VCF-style: chr10-110810411-T-A. GRCh37 (hg19) VCF-style: chr10-112570169-T-A.
Other names: short protein forms I610N.
Identifiers: ClinVar variation 3636969 (VCV003636969.2).

ClinVar aggregate classification (germline): Uncertain significance (1 of 4 stars; one submission).

Conditions:
Dilated cardiomyopathy 1DD (CMD1DD). Identifiers: Orphanet 154, MedGen C2750995, MONDO:0013168, OMIM 613172.

Submission:

Labcorp Genetics (formerly Invitae), Labcorp
Classification: Uncertain significance for Dilated cardiomyopathy 1DD. Last evaluated: 2024-08-11. Review status: criteria provided, single submitter. Criteria: Invitae Variant Classification Sherloc (09022015). Collection method: clinical testing. Allele origin: germline.
Comment: This sequence change replaces isoleucine, which is neutral and non-polar, with asparagine, which is neutral and polar, at codon 610 of the RBM20 protein (p.Ile610Asn). This variant is not present in population databases (gnomAD no frequency). This variant has not been reported in the literature in individuals affected with RBM20-related conditions. Advanced modeling of protein sequence and biophysical properties (such as structural, functional, and spatial information, amino acid conservation, physicochemical variation, residue mobility, and thermodynamic stability) has been performed at Invitae for this missense variant, however the output from this modeling did not meet the statistical confidence thresholds required to predict the impact of this variant on RBM20 protein function. In summary, the available evidence is currently insufficient to determine the role of this variant in disease. Therefore, it has been classified as a Variant of Uncertain Significance.